The following is an entry in ClinVar:

ClinVar aggregate classification (germline): Pathogenic/Likely pathogenic. Review status: criteria provided, multiple submitters, no conflicts (2 of 4 stars). 18 submissions from 18 submitters: Pathogenic (13); Likely pathogenic (1). 4 of the submissions do not count toward it. Last evaluated 2025-03-18.

Conditions:
Early-infantile DEE. Also called: Ohtahara syndrome; Early infantile epileptic encephalopathy with suppression bursts; Early infantile epileptic encephalopathy. Identifiers: Orphanet 1934, MedGen C0393706, MONDO:0800491.
SCN1A-related disorder. Also called: SCN1A-related disorders; SCN1A-related conditions; SCN1A-related condition.
Migraine, familial hemiplegic, 3. Identifiers: Orphanet 569, MedGen C1864987, MONDO:0012320, OMIM 609634.
Severe myoclonic epilepsy in infancy (DRVT). Also called: DEVELOPMENTAL AND EPILEPTIC ENCEPHALOPATHY 6A; Severe Myoclonic Epilepsy in Infancy (SMEI); Epileptic encephalopathy, early infantile, 6 (Dravet syndrome); SEVERE MYOCLONIC EPILEPSY OF INFANCY; Dravet syndrome. Identifiers: Orphanet 33069, MedGen C0751122, MONDO:0100135, OMIM 607208.
Seizure. Also called: Seizures. Identifiers: MedGen C0036572, HP:0001250.

Submissions 1 to 12 of 19:

Dasa
Classification: Pathogenic. Last evaluated: 2025-03-18. Review status: criteria provided, single submitter. Criteria: DASA Assertion Criteria. Collection method: clinical testing. Allele origin: germline.
Comment: NM_001165963.4(SCN1A):c.1178G>A (p.Arg393His) is a missense variant that results in the substitution of arginine with histidine. The affected residue or protein region has prior evidence supporting clinical relevance. De novo occurrence has been reported in an individual with related phenotype. Functional evidence supports a deleterious effect on the gene or gene product (PMID: 12754708; PMID: 28544625; PMID: 17054685). This variant has been recurrently observed in individuals with related phenotype (PMID: 12754708; PMID: 28544625; PMID: 17054685). Multiple computational predictions support a deleterious effect on the gene or gene product. The variant is present at low frequency in population datasets. Based on the available data, this variant is classified as pathogenic.

Labcorp Genetics (formerly Invitae), Labcorp
Classification: Pathogenic for Early-infantile DEE. Last evaluated: 2024-11-16. Review status: criteria provided, single submitter. Criteria: Invitae Variant Classification Sherloc (09022015). Collection method: clinical testing. Allele origin: germline.
Comment: This sequence change replaces arginine, which is basic and polar, with histidine, which is basic and polar, at codon 393 of the SCN1A protein (p.Arg393His). This variant is not present in population databases (gnomAD no frequency). This missense change has been observed in individual(s) with SMEI, severe myoclonic epilepsy of infancy, borderline phenotype (SMEB) and Dravet syndrome and severe myoclonic epilepsy of infancy (SMEI) (PMID: 12754708, 22780858, 23195492, 28544625). In at least one individual the variant was observed to be de novo. ClinVar contains an entry for this variant (Variation ID: 68506). Invitae Evidence Modeling of protein sequence and biophysical properties (such as structural, functional, and spatial information, amino acid conservation, physicochemical variation, residue mobility, and thermodynamic stability) indicates that this missense variant is expected to disrupt SCN1A protein function with a positive predictive value of 95%. Experimental studies have shown that this missense change affects SCN1A function (PMID: 17054685). This variant disrupts the p.Arg393 amino acid residue in SCN1A. Other variant(s) that disrupt this residue have been determined to be pathogenic (PMID: 17054684, 21868258, 23934111). This suggests that this residue is clinically significant, and that variants that disrupt this residue are likely to be disease-causing. For these reasons, this variant has been classified as Pathogenic.

Cytogénomique, Hospices Civils de Lyon
Classification: Pathogenic for Seizure. Last evaluated: 2024-10-18. Review status: criteria provided, single submitter. Criteria: ACMG Guidelines, 2015. Collection method: clinical testing. Allele origin: unknown. Affected: yes.

Institute of Human Genetics, University of Leipzig Medical Center
Classification: Pathogenic for Severe myoclonic epilepsy in infancy. Last evaluated: 2024-01-10. Review status: criteria provided, single submitter. Criteria: ACMG Guidelines, 2015. Collection method: clinical testing. Allele origin: unknown. Inheritance: Autosomal dominant inheritance. Affected: yes.
Comment: Criteria applied: PS2_VSTR,PS3,PS4,PM5_STR,PM1,PM2_SUP

Athena Diagnostics
Classification: Pathogenic. Last evaluated: 2022-10-26. Review status: criteria provided, single submitter. Criteria: Athena Diagnostics Criteria. Collection method: clinical testing. Allele origin: unknown.
Comment: This variant has been identified in multiple unrelated individuals with Dravet Syndrome. This variant has also been confirmed to occur de novo in multiple individuals. This variant has not been reported in large, multi-ethnic general populations. Assessment of experimental evidence suggests this variant results in abnormal protein function. See PMID: 17054685. The variant is located in a region that is considered important for protein function and/or structure.

GeneDx
Classification: Pathogenic. Last evaluated: 2022-09-13. Review status: criteria provided, single submitter. Criteria: GeneDx Variant Classification Process June 2021. Collection method: clinical testing. Allele origin: germline. Affected: yes.
Comment: Published functional studies demonstrate that R393H significantly impairs channel function (Ohmori et al., 2006); The majority of missense variants in this gene are considered pathogenic (HGMD); This substitution is predicted to be within the extracellular loop between the S5 and S6 transmembrane segments of the first homologous domain; In silico analysis supports that this missense variant has a deleterious effect on protein structure/function; Not observed in large population cohorts (gnomAD); This variant is associated with the following publications: (PMID: 31782251, 30368457, 33067208, 34268891, 23195492, 17054685, 22780858, 26096185, 22612257, 20431604, 21248271, 28544625, 29720203, 32090326, 29738522, 34163418, 32613771, 33084218, 12754708)

Unidad de Genómica Garrahan, Hospital de Pediatría Garrahan
Classification: Pathogenic for Severe myoclonic epilepsy in infancy. Last evaluated: 2022-01-01. Review status: criteria provided, single submitter. Criteria: ACMG Guidelines, 2015. Collection method: clinical testing. Allele origin: de novo. Affected: yes. Observed: 1 variant allele.

Blueprint Genetics
Classification: Pathogenic for SCN1A-related disorders. Last evaluated: 2020-06-24. Review status: criteria provided, single submitter. Criteria: ACMG Guidelines, 2015. Collection method: clinical testing. Allele origin: germline. Affected: yes. Observed: 3 variant alleles.

CeGaT Center for Human Genetics Tuebingen
Classification: Pathogenic. Last evaluated: 2019-08-01. Review status: criteria provided, single submitter. Criteria: CeGaT Center For Human Genetics Tuebingen Variant Classification Criteria Version 2. Collection method: clinical testing. Allele origin: germline. Affected: yes. Observed: 3 variant alleles.

Centre for Mendelian Genomics, University Medical Centre Ljubljana
Classification: Likely pathogenic for Migraine, familial hemiplegic, 3. Last evaluated: 2019-06-22. Review status: criteria provided, single submitter. Criteria: ACMG Guidelines, 2015. Collection method: clinical testing. Allele origin: unknown. Affected: yes.
Comment: This variant was classified as: Likely pathogenic. The following ACMG criteria were applied in classifying this variant: PM1,PM2,PM5,PP2,PP3,PP5.

Mendelics
Classification: Pathogenic for Severe myoclonic epilepsy in infancy. Last evaluated: 2019-05-28. Review status: criteria provided, single submitter. Criteria: Mendelics Assertion Criteria 2017. Collection method: clinical testing. Allele origin: unknown.

Women's Health and Genetics/Laboratory Corporation of America, LabCorp
Classification: Pathogenic for Severe myoclonic epilepsy in infancy. Last evaluated: 2016-03-16. Review status: criteria provided, single submitter. Criteria: LabCorp Variant Classification Summary - May 2015. Collection method: clinical testing. Allele origin: germline.
Comment: Variant summary: The SCN1A c.1178G>A variant affects a conserved nucleotide, resulting in amino acid change from a large and basic Arg to a medium sized and polar His residue at codon 393. This variant is present in S5S6 linker region of the protein which forms the pore of the protein (Rilstone_2012). 4/4 in-silico tool predict a damaging outcome for this variant. Another pathogenic variant p.Arg393Cys has also been reported in this codon, suggesting that the p.Arg393 is important for protein function. Whole-cell patch-clamp studies of R393H show no measurable sodium channel activity, suggesting that this missense change results in a loss of function. This variant was found in 1/121376 control chromosomes including broad and large populations from ExAC at a frequency of 0.0000082, which is lower than the maximal expected frequency of a pathogenic SCN1A allele (0.0000179). The variant has been reported in at least 8 SMEI unrelated patients in literature across various ethnicities, and in one patient with SMEB and one with intractable childhood epilepsy. The variant has also been reported to originate do novo, strongly supporting for a pathogenic outcome. In addition, multiple clinical laboratories have classified this variant as pathogenic. Taken together, this variant was classified as Disease Variant/Pathogenic.

NM_001165963.4(SCN1A):c.1178G>A (p.Arg393His)

Gene: SCN1A (sodium voltage-gated channel alpha subunit 1; minus strand). Cytogenetic location: 2q24.3.
Variant type: single nucleotide variant.
Coding change: c.1178G>A on transcript NM_001165963.4 (MANE Select); coding-DNA position 1178, G replaced by A.
Protein change: p.Arg393His; replaces arginine 393 with histidine.
Molecular consequence: missense variant. On other transcripts: 5 prime UTR variant (1), non-coding transcript variant (1).
Genome position (GRCh38, 1-based): chr2:166,046,969, C>T on the plus strand (G>A on the coding strand, the complement: SCN1A is on the minus strand). VCF-style: chr2-166046969-C-T. GRCh37 (hg19) VCF-style: chr2-166903479-C-T.
Other names: p.R393H:CGT>CAT; NP_001159435.1:p.(Arg393His); c.1178G>A, p.Arg393His (NM_001165964.3, NM_001202435.3, NM_001353948.2 and 10 more transcripts); c.-1248G>A (NM_001353961.2); c.1178G>A (NM_001202435.1); short protein forms R393H.
Identifiers: ClinVar variation 68506 (VCV000068506.70), dbSNP rs121917927, ClinGen allele CA284871.
Genomic context (GRCh38, chr2:166,046,969, plus strand): 5'-TAGAATGAGCCCAAGAAAATGACCAATACAAAAAATATCATGTACGTTTTCCCAGCAGCA[C>T]GTAATGTCTGCAAACAAAAATATCAGAATTATTTCTCAATATTATTTCACTAAGTGGTGG-3'
Protein context (NP_001159435.1, residues 383-403): FWENLYQLTL[Arg393His]AAGKTYMIFF